The following is an entry in ClinVar:

NC_000006.11:g.(?_51747238)_(51748045_?)del

Gene: PKHD1 (PKHD1 ciliary IPT domain containing fibrocystin/polyductin; minus strand). Cytogenetic location: 6p12.3.
Variant type: Deletion.
Identifiers: ClinVar variation 3245960 (VCV003245960.1).

ClinVar aggregate classification (germline): Pathogenic (1 of 4 stars; one submission).

Conditions:
Autosomal recessive polycystic kidney disease (ARPKD). Also called: AR polycystic kidney disease. Identifiers: Orphanet 731, Orphanet 8378, MedGen C0085548, MeSH D017044, MONDO:0009889.

Submission:

Labcorp Genetics (formerly Invitae), Labcorp
Classification: Pathogenic for Autosomal recessive polycystic kidney disease. Last evaluated: 2023-05-30. Review status: criteria provided, single submitter. Criteria: Invitae Variant Classification Sherloc (09022015). Collection method: clinical testing. Allele origin: unknown.
Comment: For these reasons, this variant has been classified as Pathogenic. This variant disrupts a region of the PKHD1 protein in which other variant(s) (p.Ile2427Thr) have been determined to be pathogenic (PMID: 15698423, 27225849). This suggests that this is a clinically significant region of the protein, and that variants that disrupt it are likely to be disease-causing. This variant has not been reported in the literature in individuals affected with PKHD1-related conditions. This variant is a gross deletion of the genomic region encompassing exon(s) 46 of the PKHD1 gene. This variant would be expected to be in-frame, preserving the integrity of the reading frame.

Literature cited by the submitters: PubMed 15698423; PubMed 27225849.